The following is an entry in ClinVar:

ClinVar aggregate classification (germline): Uncertain significance (1 of 4 stars; one submission).

Submission:

GeneDx
Classification: Uncertain significance. Last evaluated: 2023-01-04. Review status: criteria provided, single submitter. Criteria: GeneDx Variant Classification Process June 2021. Collection method: clinical testing. Allele origin: germline. Affected: yes.
Comment: Not observed at significant frequency in large population cohorts (gnomAD); In silico analysis supports that this missense variant has a deleterious effect on protein structure/function; Has not been previously published as pathogenic or benign to our knowledge

NM_000829.4(GRIA4):c.1975G>A (p.Glu659Lys)

Gene: GRIA4 (glutamate ionotropic receptor AMPA type subunit 4; plus strand). Cytogenetic location: 11q22.3.
Variant type: single nucleotide variant.
Coding change: c.1975G>A on transcript NM_000829.4 (MANE Select); coding-DNA position 1975, G replaced by A.
Protein change: p.Glu659Lys; replaces glutamic acid 659 with lysine.
Molecular consequence: missense variant. On other transcripts: non-coding transcript variant (1).
Genome position (GRCh38, 1-based): chr11:105,926,868, G>A. VCF-style: chr11-105926868-G-A. GRCh37 (hg19) VCF-style: chr11-105797594-G-A.
Other names: c.1975G>A, p.Glu659Lys (NM_001077243.3); short protein forms E659K.
Identifiers: ClinVar variation 2571844 (VCV002571844.1), dbSNP rs2497929572, ClinGen allele CA382301916.